The following is an entry in ClinVar:

ClinVar aggregate classification (germline): Likely pathogenic (1 of 4 stars; one submission).

Conditions:
Osteogenesis imperfecta (OI). Identifiers: Orphanet 666, MedGen C0029434, MeSH D010013, MONDO:0019019.

Submission:

Women's Health and Genetics/Laboratory Corporation of America, LabCorp
Classification: Likely pathogenic for Osteogenesis imperfecta. Last evaluated: 2022-06-29. Review status: criteria provided, single submitter. Criteria: LabCorp Variant Classification Summary - May 2015. Collection method: clinical testing. Allele origin: germline.
Comment: Variant summary: PPIB c.528+1G>C is located in a canonical 5' donor splice-site in intron 4 and is predicted to affect mRNA splicing resulting in a significantly altered protein due to either exon skipping, shortening, or inclusion of intronic material. Several computational tools predict a significant impact on normal splicing: Four predict the variant abolishes the 5' splicing donor site. However, these predictions have yet to be confirmed by functional studies. The variant was absent in 251496 control chromosomes (gnomAD). To our knowledge, no occurrence of c.528+1G>C in individuals affected with Osteogenesis Imperfecta and no experimental evidence demonstrating its impact on protein function have been reported. Truncations in downstream exon 5 have been reported in association with Osteogenesis imperfecta (p.Lys186Glnfs*8, p.Asp188Alafs*6; HGMD). No clinical diagnostic laboratories have submitted clinical-significance assessments for this variant to ClinVar after 2014. Based on the evidence outlined above, the variant was classified as likely pathogenic.

NM_000942.5(PPIB):c.528+1G>C

Genes: SNX22 (sorting nexin 22; plus strand), PPIB (peptidylprolyl isomerase B; minus strand). Cytogenetic location: 15q22.31.
Variant type: single nucleotide variant.
Coding change: c.528+1G>C on transcript NM_000942.5 (MANE Select); the canonical splice donor site of the intron after coding-DNA position 528, G replaced by C.
Molecular consequence: splice donor variant. On other transcripts: 3 prime UTR variant (1), non-coding transcript variant (1).
Genome position (GRCh38, 1-based): chr15:64,156,724, C>G on the plus strand (G>C on the coding strand, the complement: PPIB is on the minus strand). VCF-style: chr15-64156724-C-G. GRCh37 (hg19) VCF-style: chr15-64448923-C-G.
Other names: c.*2216C>G (NM_024798.3).
Identifiers: ClinVar variation 1698658 (VCV001698658.1), dbSNP rs1228817029, ClinGen allele CA392816766.